The following is an entry in ClinVar:

NM_021175.4(HAMP):c.223C>T (p.Arg75Ter)

Gene: HAMP (hepcidin antimicrobial peptide; plus strand). Cytogenetic location: 19q13.12.
Variant type: single nucleotide variant.
Coding change: c.223C>T on transcript NM_021175.4 (MANE Select); coding-DNA position 223, C replaced by T.
Protein change: p.Arg75Ter; replaces arginine 75 with a stop codon.
Molecular consequence: nonsense.
Genome position (GRCh38, 1-based): chr19:35,285,010, C>T. VCF-style: chr19-35285010-C-T. GRCh37 (hg19) VCF-style: chr19-35775913-C-T.
Other names: c.223C>T (NM_021175.3); short protein forms R75*.
Identifiers: ClinVar variation 1350113 (VCV001350113.7), dbSNP rs200488037, ClinGen allele CA9375833.

ClinVar aggregate classification (germline): Likely pathogenic. Review status: criteria provided, multiple submitters, no conflicts (2 of 4 stars). 2 submissions from 2 submitters: Likely pathogenic (2). Last evaluated 2025-08-24.

Conditions:
Hemochromatosis type 2B (HFE2B). Also called: HAMP-Related Juvenile Hemochromatosis; Juvenile-Onset Hemochromatosis. Identifiers: Orphanet 79230, MedGen C1865616, MONDO:0013220, OMIM 613313.
Hereditary hemochromatosis (HFE). Identifiers: MedGen C0392514, MONDO:0006507. Disease mechanism: loss of function.

Allele frequency attached by ClinVar (database versions not stated): ExAC 0.00002; gnomAD 0.00002 and 0.00003; 1000 Genomes Project 30x 0.00016; 1000 Genomes Project 0.00020.

Submissions (2):

Labcorp Genetics (formerly Invitae), Labcorp
Classification: Likely pathogenic for Hereditary hemochromatosis. Last evaluated: 2025-08-24. Review status: criteria provided, single submitter. Criteria: Invitae Variant Classification Sherloc (09022015). Collection method: clinical testing. Allele origin: germline.
Comment: This sequence change creates a premature translational stop signal (p.Arg75*) in the HAMP gene. While this is not anticipated to result in nonsense mediated decay, it is expected to disrupt the last 10 amino acid(s) of the HAMP protein. This variant is present in population databases (rs200488037, gnomAD 0.005%). This premature translational stop signal has been observed in individuals with hemochromatosis (PMID: 22297252, 33016646). ClinVar contains an entry for this variant (Variation ID: 1350113). This variant disrupts a region of the HAMP protein in which other variant(s) (p.Cys78Tyr) have been observed in individuals with HAMP-related conditions (PMID: 15099344). This suggests that this is a clinically significant region of the protein, and that variants that disrupt it are likely to be disease-causing. In summary, the currently available evidence indicates that the variant is pathogenic, but additional data are needed to prove that conclusively. Therefore, this variant has been classified as Likely Pathogenic.

Women's Health and Genetics/Laboratory Corporation of America, LabCorp
Classification: Likely pathogenic for Hemochromatosis type 2B. Last evaluated: 2025-07-18. Review status: criteria provided, single submitter. Criteria: LabCorp Variant Classification Summary - May 2015. Collection method: clinical testing. Allele origin: germline.
Comment: Variant summary: HAMP c.223C>T (p.Arg75X) results in a premature termination codon, predicted to cause a truncation but is not expected to result in nonsense mediated decay, and current evidence is not sufficient to establish loss of function as a mechanism for disease. The variant allele was found at a frequency of 2e-05 in 251484 control chromosomes (gnomAD). c.223C>T has been observed in individuals affected with Hemochromatosis Type 2B in homozygous (Hattori_2012a) and compound heterozygous individuals carrying a second likely pathogenic allele (Wu_2020). These data indicate that the variant may be associated with disease. At least one publication reports experimental evidence evaluating an impact on protein function in cells of the homozygous patient, suggesting the variant causes iron overload by impairing the hepcidin system (Hattori_2012b). The following publications have been ascertained in the context of this evaluation (PMID: 22297252, 22924847, 33016646). ClinVar contains an entry for this variant (Variation ID: 1350113). Based on the evidence outlined above, the variant was classified as likely pathogenic.

Literature cited by the submitters: PubMed 22297252 (cited by Labcorp Genetics (formerly Invitae), Labcorp and Women's Health and Genetics/Laboratory Corporation of America, LabCorp); PubMed 33016646 (cited by Labcorp Genetics (formerly Invitae), Labcorp and Women's Health and Genetics/Laboratory Corporation of America, LabCorp); PubMed 15099344 (cited by Labcorp Genetics (formerly Invitae), Labcorp); PubMed 22924847 (cited by Women's Health and Genetics/Laboratory Corporation of America, LabCorp).